The following is an entry in ClinVar:

ClinVar aggregate classification (germline): Uncertain significance (1 of 4 stars; one submission).

Conditions:
Inborn genetic diseases. Identifiers: MedGen C0950123, MeSH D030342.

Submission:

Ambry Genetics
Classification: Uncertain significance for Inborn genetic diseases. Last evaluated: 2025-06-28. Review status: criteria provided, single submitter. Criteria: Ambry Variant Classification Scheme 2023. Collection method: clinical testing. Allele origin: germline.
Comment: The p.E1400K variant (also known as c.4198G>A), located in coding exon 13 of the ASXL1 gene, results from a G to A substitution at nucleotide position 4198. The glutamic acid at codon 1400 is replaced by lysine, an amino acid with similar properties. This amino acid position is conserved. In addition, this alteration is predicted to be tolerated by in silico analysis. Based on the available evidence, the clinical significance of this variant remains unclear.

NM_015338.6(ASXL1):c.4198G>A (p.Glu1400Lys)

Gene: ASXL1 (ASXL transcriptional regulator 1; plus strand). Cytogenetic location: 20q11.21.
Variant type: single nucleotide variant.
Coding change: c.4198G>A on transcript NM_015338.6 (MANE Select); coding-DNA position 4198, G replaced by A.
Protein change: p.Glu1400Lys; replaces glutamic acid 1400 with lysine.
Molecular consequence: missense variant.
Genome position (GRCh38, 1-based): chr20:32,436,910, G>A. VCF-style: chr20-32436910-G-A. GRCh37 (hg19) VCF-style: chr20-31024713-G-A.
Other names: c.4015G>A, p.Glu1339Lys (NM_001363734.1); short protein forms E1339K, E1400K.
Identifiers: ClinVar variation 3319307 (VCV003319307.2).